The following is an entry in ClinVar:

NM_020719.3(PRR12):c.3017C>T (p.Pro1006Leu)

Gene: PRR12 (proline rich 12; plus strand). Cytogenetic location: 19q13.33.
Variant type: single nucleotide variant.
Coding change: c.3017C>T on transcript NM_020719.3 (MANE Select); coding-DNA position 3017, C replaced by T.
Protein change: p.Pro1006Leu; replaces proline 1006 with leucine.
Molecular consequence: missense variant.
Genome position (GRCh38, 1-based): chr19:49,597,352, C>T. VCF-style: chr19-49597352-C-T. GRCh37 (hg19) VCF-style: chr19-50100609-C-T.
Other names: c.3017C>T (NM_020719.2); short protein forms P1006L.
Identifiers: ClinVar variation 2266825 (VCV002266825.4), dbSNP rs759110944, ClinGen allele CA9578232.

ClinVar aggregate classification (germline): Likely benign. Review status: criteria provided, single submitter (1 of 4 stars). 2 submissions from 2 submitters: Likely benign (1). 1 of the submissions does not count toward it. Last evaluated 2022-12-27.

Conditions:
Inborn genetic diseases. Identifiers: MedGen C0950123, MeSH D030342.
PRR12-related disorder. Also called: PRR12-related condition.

Allele frequency attached by ClinVar (database versions not stated): 1000 Genomes Project 30x 0.00016.
gnomAD v4.1: 86 of 1,539,718 alleles (0.0056%); highest among the groups gnomAD compares: African/African-American, 0.1%; no homozygotes.

Submissions (2):

Ambry Genetics
Classification: Likely benign for Inborn genetic diseases. Last evaluated: 2022-12-27. Review status: criteria provided, single submitter. Criteria: Ambry Variant Classification Scheme 2023. Collection method: clinical testing. Allele origin: germline.

PreventionGenetics, part of Exact Sciences
Classification: Uncertain significance for PRR12-related condition. Last evaluated: 2024-01-12. Review status: no assertion criteria provided. Collection method: clinical testing. Allele origin: germline. Not counted in ClinVar's aggregate classification.
Comment: The PRR12 c.3017C>T variant is predicted to result in the amino acid substitution p.Pro1006Leu. To our knowledge, this variant has not been reported in the literature. This variant is reported in 0.074% of alleles in individuals of African descent in gnomAD. Although we suspect that this variant may be benign, at this time, the clinical significance of this variant is uncertain due to the absence of conclusive functional and genetic evidence.